The following is an entry in ClinVar:

NM_001042681.2(RERE):c.3713C>T (p.Thr1238Ile)

Gene: RERE (arginine-glutamic acid dipeptide repeats; minus strand). Cytogenetic location: 1p36.23.
Variant type: single nucleotide variant.
Coding change: c.3713C>T on transcript NM_001042681.2 (MANE Select); coding-DNA position 3713, C replaced by T.
Protein change: p.Thr1238Ile; replaces threonine 1238 with isoleucine.
Molecular consequence: missense variant.
Genome position (GRCh38, 1-based): chr1:8,358,822, G>A on the plus strand (C>T on the coding strand, the complement: RERE is on the minus strand). VCF-style: chr1-8358822-G-A. GRCh37 (hg19) VCF-style: chr1-8418882-G-A.
Other names: c.2051C>T, p.Thr684Ile (NM_001042682.2); c.3713C>T, p.Thr1238Ile (NM_012102.4); short protein forms T1238I, T684I.
Identifiers: ClinVar variation 1525241 (VCV001525241.6), dbSNP rs772665407, ClinGen allele CA571005.

ClinVar aggregate classification (germline): Uncertain significance (1 of 4 stars; one submission).

Allele frequency attached by ClinVar (database versions not stated): gnomAD exomes below 0.00001 and 0.00001; ExAC 0.00001; TOPMed 0.00001.
gnomAD v4.1: 2 of 1,610,956 alleles (0.00012%); highest among the groups gnomAD compares: East Asian, 0.0022%; no homozygotes.

Submission:

Labcorp Genetics (formerly Invitae), Labcorp
Classification: Uncertain significance. Last evaluated: 2021-11-26. Review status: criteria provided, single submitter. Criteria: Invitae Variant Classification Sherloc (09022015). Collection method: clinical testing. Allele origin: germline.
Comment: This variant is present in population databases (rs772665407, gnomAD 0.01%). In summary, the available evidence is currently insufficient to determine the role of this variant in disease. Therefore, it has been classified as a Variant of Uncertain Significance. Advanced modeling of protein sequence and biophysical properties (such as structural, functional, and spatial information, amino acid conservation, physicochemical variation, residue mobility, and thermodynamic stability) performed at Invitae indicates that this missense variant is expected to disrupt RERE protein function. This variant has not been reported in the literature in individuals affected with RERE-related conditions. This sequence change replaces threonine, which is neutral and polar, with isoleucine, which is neutral and non-polar, at codon 1238 of the RERE protein (p.Thr1238Ile).